The following is an entry in ClinVar:

NM_182641.4(BPTF):c.5048C>G (p.Ser1683Cys)

Gene: BPTF (bromodomain PHD finger transcription factor; plus strand). Cytogenetic location: 17q24.2.
Variant type: single nucleotide variant.
Coding change: c.5048C>G on transcript NM_182641.4 (MANE Select); coding-DNA position 5048, C replaced by G.
Protein change: p.Ser1683Cys; replaces serine 1683 with cysteine.
Molecular consequence: missense variant.
Genome position (GRCh38, 1-based): chr17:67,912,932, C>G. VCF-style: chr17-67912932-C-G. GRCh37 (hg19) VCF-style: chr17-65909048-C-G.
Other names: c.5426C>G, p.Ser1809Cys (NM_001439142.1, NM_004459.7, NM_001439140.1); c.5237C>G, p.Ser1746Cys (NM_001439143.1, NM_001439144.1, NM_001439139.1 and 1 more transcripts); short protein forms S1683C, S1746C, S1809C.
Identifiers: ClinVar variation 4074538 (VCV004074538.1).
Genomic context (GRCh38, chr17:67,912,932, plus strand): 5'-ACTCCCTGACCACCACGGGAGGCACACTGGTTACATCTATGACTGTGAGCAAAGAGTATT[C>G]CACACGAGACAAAGTGAAACTGATGAAATTTTCAAGACCAAAGAAGACTCGTTCAGGTAC-3'
Protein context (NP_872579.2, residues 1673-1693): VTSMTVSKEY[Ser1683Cys]TRDKVKLMKF

ClinVar aggregate classification (germline): Uncertain significance (1 of 4 stars; one submission).

Submission:

GeneDx
Classification: Uncertain significance. Last evaluated: 2025-02-06. Review status: criteria provided, single submitter. Criteria: GeneDx Variant Classification Process June 2021. Collection method: clinical testing. Allele origin: germline. Affected: yes.
Comment: Not observed at significant frequency in large population cohorts (gnomAD); In silico analysis supports that this missense variant has a deleterious effect on protein structure/function; Has not been previously published as pathogenic or benign to our knowledge